The following is an entry in ClinVar:

ClinVar aggregate classification (germline): Uncertain significance (1 of 4 stars; one submission).

Conditions:
Progressive encephalopathy with leukodystrophy due to DECR deficiency. Identifiers: Orphanet 431361, MedGen C1857252, MONDO:0014464, OMIM 616034.

Allele frequency attached by ClinVar (database versions not stated): gnomAD exomes below 0.00001.
gnomAD v4.1: 4 of 1,611,460 alleles (0.00025%); highest among the groups gnomAD compares: Admixed American, 0.0017%; no homozygotes.

Submission:

Labcorp Genetics (formerly Invitae), Labcorp
Classification: Uncertain significance for Progressive encephalopathy with leukodystrophy due to DECR deficiency. Last evaluated: 2021-03-24. Review status: criteria provided, single submitter. Criteria: Invitae Variant Classification Sherloc (09022015). Collection method: clinical testing. Allele origin: germline.
Comment: This sequence change replaces arginine with glutamine at codon 378 of the NADK2 protein (p.Arg378Gln). The arginine residue is highly conserved and there is a small physicochemical difference between arginine and glutamine. This variant is not present in population databases (ExAC no frequency). This variant has not been reported in the literature in individuals with NADK2-related conditions. Algorithms developed to predict the effect of missense changes on protein structure and function are either unavailable or do not agree on the potential impact of this missense change (SIFT: "Deleterious"; PolyPhen-2: "Probably Damaging"; Align-GVGD: "Class C0"). In summary, the available evidence is currently insufficient to determine the role of this variant in disease. Therefore, it has been classified as a Variant of Uncertain Significance.

NM_001085411.3(NADK2):c.1133G>A (p.Arg378Gln)

Gene: NADK2 (NAD kinase 2, mitochondrial; minus strand). Cytogenetic location: 5p13.2.
Variant type: single nucleotide variant.
Coding change: c.1133G>A on transcript NM_001085411.3 (MANE Select); coding-DNA position 1133, G replaced by A.
Protein change: p.Arg378Gln; replaces arginine 378 with glutamine.
Molecular consequence: missense variant.
Genome position (GRCh38, 1-based): chr5:36,197,598, C>T on the plus strand (G>A on the coding strand, the complement: NADK2 is on the minus strand). VCF-style: chr5-36197598-C-T. GRCh37 (hg19) VCF-style: chr5-36197700-C-T.
Other names: c.644G>A, p.Arg215Gln (NM_001287340.2, NM_153013.5); c.710G>A, p.Arg237Gln (NM_001287341.2); short protein forms R215Q, R378Q, R237Q.
Identifiers: ClinVar variation 1503907 (VCV001503907.8), dbSNP rs1186227104, ClinGen allele CA359451187.
Genomic context (GRCh38, chr5:36,197,598, plus strand): 5'-TACTTTGAGGAGAAACAACGCTGACGACTGCTTGAGAAAACTCTATTTGCTATTGGTTCT[C>T]GAATACTGAAAAGTATTTTTGGTTCTTCCGGACTGTAGAGCAGTGATTCATTATATTCAT-3'
Protein context (NP_001078880.1, residues 368-388): PEEPKILFSI[Arg378Gln]EPIANRVFSS